The following is an entry in ClinVar:

NM_001298.3(CNGA3):c.253G>A (p.Ala85Thr)

Gene: CNGA3 (cyclic nucleotide gated channel subunit alpha 3; plus strand). Cytogenetic location: 2q11.2.
Variant type: single nucleotide variant.
Coding change: c.253G>A on transcript NM_001298.3 (MANE Select); coding-DNA position 253, G replaced by A.
Protein change: p.Ala85Thr; replaces alanine 85 with threonine.
Molecular consequence: missense variant.
Genome position (GRCh38, 1-based): chr2:98,380,212, G>A. VCF-style: chr2-98380212-G-A. GRCh37 (hg19) VCF-style: chr2-98996675-G-A.
Other names: c.253G>A, p.Ala85Thr (NM_001079878.2); short protein forms A85T.
Identifiers: ClinVar variation 2038501 (VCV002038501.4), dbSNP rs2466986037, ClinGen allele CA347830960.

ClinVar aggregate classification (germline): Uncertain significance (1 of 4 stars; one submission).

Submission:

Labcorp Genetics (formerly Invitae), Labcorp
Classification: Uncertain significance. Last evaluated: 2021-12-09. Review status: criteria provided, single submitter. Criteria: Invitae Variant Classification Sherloc (09022015). Collection method: clinical testing. Allele origin: germline.
Comment: This sequence change replaces alanine, which is neutral and non-polar, with threonine, which is neutral and polar, at codon 85 of the CNGA3 protein (p.Ala85Thr). This variant is not present in population databases (gnomAD no frequency). This variant has not been reported in the literature in individuals affected with CNGA3-related conditions. Advanced modeling of protein sequence and biophysical properties (such as structural, functional, and spatial information, amino acid conservation, physicochemical variation, residue mobility, and thermodynamic stability) performed at Invitae indicates that this missense variant is not expected to disrupt CNGA3 protein function. In summary, the available evidence is currently insufficient to determine the role of this variant in disease. Therefore, it has been classified as a Variant of Uncertain Significance.